The following is an entry in ClinVar:

NM_001244008.2(KIF1A):c.2503G>A (p.Val835Ile)

Gene: KIF1A (kinesin family member 1A; minus strand). Cytogenetic location: 2q37.3.
Variant type: single nucleotide variant.
Coding change: c.2503G>A on transcript NM_001244008.2 (MANE Select); coding-DNA position 2503, G replaced by A.
Protein change: p.Val835Ile; replaces valine 835 with isoleucine.
Molecular consequence: missense variant.
Genome position (GRCh38, 1-based): chr2:240,758,439, C>T on the plus strand (G>A on the coding strand, the complement: KIF1A is on the minus strand). VCF-style: chr2-240758439-C-T. GRCh37 (hg19) VCF-style: chr2-241697856-C-T.
Other names: c.2503G>A, p.Val835Ile (NM_001320705.2, NM_001330289.2, NM_001379638.1); c.2578G>A, p.Val860Ile (NM_001330290.2, NM_001379631.1, NM_001379634.1 and 2 more transcripts); c.2476G>A, p.Val826Ile (NM_001379632.1, NM_001379633.1, NM_001379636.1 and 11 more transcripts); c.2551G>A, p.Val851Ile (NM_001379637.1, NM_001379648.1); short protein forms V826I, V835I, V851I, V860I.
Identifiers: ClinVar variation 1975385 (VCV001975385.5), dbSNP rs1481807599, ClinGen allele CA351323781.

ClinVar aggregate classification (germline): Uncertain significance (1 of 4 stars; one submission).

Conditions:
Hereditary spastic paraplegia 30. Identifiers: Orphanet 101010, MedGen C5235139, MONDO:0012476.
Neuropathy, hereditary sensory, type 2C. Also called: Hereditary sensory and autonomic neuropathy type IIC; KIF1A-Related HSAN2 (HSAN2C). Identifiers: Orphanet 970, MedGen C3280168, MONDO:0013634, OMIM 614213.
Intellectual disability, autosomal dominant 9 (NESCAVS). Also called: NESCAV SYNDROME; KIF1A-Related Neurodevelopmental Disorder. Identifiers: Orphanet 662367, MedGen C5393830, MONDO:0013656, OMIM 614255.

Allele frequency attached by ClinVar (database versions not stated): TOPMed below 0.00001; gnomAD 0.00001.

Submission:

Labcorp Genetics (formerly Invitae), Labcorp
Classification: Uncertain significance for Hereditary spastic paraplegia 30; Neuropathy, hereditary sensory, type 2C; Intellectual disability, autosomal dominant 9. Last evaluated: 2022-02-23. Review status: criteria provided, single submitter. Criteria: Invitae Variant Classification Sherloc (09022015). Collection method: clinical testing. Allele origin: germline.
Comment: In summary, the available evidence is currently insufficient to determine the role of this variant in disease. Therefore, it has been classified as a Variant of Uncertain Significance. Advanced modeling of protein sequence and biophysical properties (such as structural, functional, and spatial information, amino acid conservation, physicochemical variation, residue mobility, and thermodynamic stability) performed at Invitae indicates that this missense variant is not expected to disrupt KIF1A protein function. This variant has not been reported in the literature in individuals affected with KIF1A-related conditions. This variant is not present in population databases (gnomAD no frequency). This sequence change replaces valine, which is neutral and non-polar, with isoleucine, which is neutral and non-polar, at codon 826 of the KIF1A protein (p.Val826Ile).